The following is an entry in ClinVar:

ClinVar aggregate classification (germline): Uncertain significance. Review status: criteria provided, multiple submitters, no conflicts (2 of 4 stars). 2 submissions from 2 submitters: Uncertain significance (2). Last evaluated 2025-08-26.

Conditions:
Inborn genetic diseases. Identifiers: MedGen C0950123, MeSH D030342.

Allele frequency attached by ClinVar (database versions not stated): gnomAD 0.00001; ExAC 0.00002; TOPMed 0.00003.
gnomAD v4.1: 10 of 1,611,892 alleles (0.00062%); highest among the groups gnomAD compares: Admixed American, 0.01%; no homozygotes.

Submissions (2):

Labcorp Genetics (formerly Invitae), Labcorp
Classification: Uncertain significance. Last evaluated: 2025-08-26. Review status: criteria provided, single submitter. Criteria: Invitae Variant Classification Sherloc (09022015). Collection method: clinical testing. Allele origin: germline.
Comment: This sequence change replaces glycine, which is neutral and non-polar, with glutamic acid, which is acidic and polar, at codon 848 of the CFH protein (p.Gly848Glu). This variant is present in population databases (rs775133844, gnomAD 0.009%). This variant has not been reported in the literature in individuals affected with CFH-related conditions. ClinVar contains an entry for this variant (Variation ID: 1941043). An algorithm developed to predict the effect of missense changes on protein structure and function outputs the following: PolyPhen-2: "Benign". The glutamic acid amino acid residue is found in multiple mammalian species, which suggests that this missense change does not adversely affect protein function. In summary, the available evidence is currently insufficient to determine the role of this variant in disease. Therefore, it has been classified as a Variant of Uncertain Significance.

Ambry Genetics
Classification: Uncertain significance for Inborn genetic diseases. Last evaluated: 2024-07-27. Review status: criteria provided, single submitter. Criteria: Ambry Variant Classification Scheme 2023. Collection method: clinical testing. Allele origin: germline.

NM_000186.4(CFH):c.2543G>A (p.Gly848Glu)

Gene: CFH (complement factor H; plus strand). Cytogenetic location: 1q31.3.
Variant type: single nucleotide variant.
Coding change: c.2543G>A on transcript NM_000186.4 (MANE Select); coding-DNA position 2543, G replaced by A.
Protein change: p.Gly848Glu; replaces glycine 848 with glutamic acid.
Molecular consequence: missense variant.
Genome position (GRCh38, 1-based): chr1:196,736,953, G>A. VCF-style: chr1-196736953-G-A. GRCh37 (hg19) VCF-style: chr1-196706083-G-A.
Other names: short protein forms G848E.
Identifiers: ClinVar variation 1941043 (VCV001941043.6), dbSNP rs775133844, ClinGen allele CA1305682.